The following is an entry in ClinVar:

ClinVar aggregate classification (germline): Uncertain significance (1 of 4 stars; one submission).

Conditions:
Sphingolipid activator protein 1 deficiency. Also called: Saposin B Deficiency; METACHROMATIC LEUKODYSTROPHY DUE TO CEREBROSIDE SULFATASE ACTIVATOR DEFICIENCY; Metachromatic leukodystrophy due to saposin B deficiency. Identifiers: Orphanet 512, MedGen C0268262, MONDO:0009590, OMIM 249900.

Allele frequency attached by ClinVar (database versions not stated): gnomAD 0.00001.
gnomAD v4.1: 4 of 1,612,898 alleles (0.00025%); highest among the groups gnomAD compares: Admixed American, 0.0017%; no homozygotes.

Submission:

Labcorp Genetics (formerly Invitae), Labcorp
Classification: Uncertain significance for Sphingolipid activator protein 1 deficiency. Last evaluated: 2022-07-26. Review status: criteria provided, single submitter. Criteria: Invitae Variant Classification Sherloc (09022015). Collection method: clinical testing. Allele origin: germline.
Comment: This sequence change replaces methionine, which is neutral and non-polar, with valine, which is neutral and non-polar, at codon 259 of the PSAP protein (p.Met259Val). This variant is not present in population databases (gnomAD no frequency). This variant has not been reported in the literature in individuals affected with PSAP-related conditions. Algorithms developed to predict the effect of missense changes on protein structure and function are either unavailable or do not agree on the potential impact of this missense change (SIFT: "Not Available"; PolyPhen-2: "Possibly Damaging"; Align-GVGD: "Not Available"). In summary, the available evidence is currently insufficient to determine the role of this variant in disease. Therefore, it has been classified as a Variant of Uncertain Significance.

NM_002778.4(PSAP):c.775A>G (p.Met259Val)

Gene: PSAP (prosaposin; minus strand). Cytogenetic location: 10q22.1.
Variant type: single nucleotide variant.
Coding change: c.775A>G on transcript NM_002778.4 (MANE Select); coding-DNA position 775, A replaced by G.
Protein change: p.Met259Val; replaces methionine 259 with valine.
Molecular consequence: missense variant.
Genome position (GRCh38, 1-based): chr10:71,825,839, T>C on the plus strand (A>G on the coding strand, the complement: PSAP is on the minus strand). VCF-style: chr10-71825839-T-C. GRCh37 (hg19) VCF-style: chr10-73585596-T-C.
Other names: c.775A>G, p.Met259Val (NM_001042465.3, NM_001042466.3); short protein forms M259V.
Identifiers: ClinVar variation 1909907 (VCV001909907.2), dbSNP rs2133040449, ClinGen allele CA377149107.
Genomic context (GRCh38, chr10:71,825,839, plus strand): 5'-AATGACGAAACCTGAAAAACAAAGAAAAATGCTAACAAGGGGCCTCCGTGCCACCTACCA[T>C]GTGCATCATCATCTGGATAGCAATTTCAGAATACTGGCTGATATAGTTCTTGCACTGAGG-3'
Protein context (NP_002769.1, residues 249-269): SEIAIQMMMH[Met259Val]QPKEICALVG